The following is an entry in ClinVar:

ClinVar aggregate classification (germline): Benign (1 of 4 stars; one submission).

Allele frequency attached by ClinVar (database versions not stated): gnomAD exomes 0.79027; gnomAD 0.83210 and 0.83244; TOPMed 0.84638; 1000 Genomes Project 30x 0.88913; 1000 Genomes Project 0.89177.

Submission:

GeneDx
Classification: Benign. Last evaluated: 2018-06-19. Review status: criteria provided, single submitter. Criteria: GeneDx Variant Classification (06012015). Collection method: clinical testing. Allele origin: germline. Affected: yes.
Comment: This variant is considered likely benign or benign based on one or more of the following criteria: it is a conservative change, it occurs at a poorly conserved position in the protein, it is predicted to be benign by multiple in silico algorithms, and/or has population frequency not consistent with disease.

NM_022455.5(NSD1):c.1064-137T>C

Gene: NSD1 (nuclear receptor binding SET domain protein 1; plus strand). Cytogenetic location: 5q35.3.
Variant type: single nucleotide variant.
Coding change: c.1064-137T>C on transcript NM_022455.5 (MANE Select); 137 bases into the intron before coding-DNA position 1064, T replaced by C.
Molecular consequence: intron variant.
Genome position (GRCh38, 1-based): chr5:177,203,983, T>C. VCF-style: chr5-177203983-T-C. GRCh37 (hg19) VCF-style: chr5-176630984-T-C.
Other names: c.1064-137T>C (NM_001409301.1, NM_001409302.1, NM_001409303.1); c.644-137T>C (NM_001409304.1); c.311-137T>C (NM_001409305.1); c.191-137T>C (NM_001409306.1, NM_001409308.1, NM_001409307.1 and 3 more transcripts).
Identifiers: ClinVar variation 667729 (VCV000667729.1), dbSNP rs7721671, ClinGen allele CA12071771.